The following is an entry in ClinVar:

NM_001009944.3(PKD1):c.6175G>C (p.Asp2059His)

Gene: PKD1 (polycystin 1, transient receptor potential channel interacting; minus strand). Cytogenetic location: 16p13.3.
Variant type: single nucleotide variant.
Coding change: c.6175G>C on transcript NM_001009944.3 (MANE Select); coding-DNA position 6175, G replaced by C.
Protein change: p.Asp2059His; replaces aspartic acid 2059 with histidine.
Molecular consequence: missense variant.
Genome position (GRCh38, 1-based): chr16:2,108,992, C>G on the plus strand (G>C on the coding strand, the complement: PKD1 is on the minus strand). VCF-style: chr16-2108992-C-G. GRCh37 (hg19) VCF-style: chr16-2158993-C-G.
Other names: c.6175G>C, p.Asp2059His (NM_000296.4); short protein forms D2059H.
Identifiers: ClinVar variation 4137407 (VCV004137407.2).

ClinVar aggregate classification (germline): Uncertain significance. Review status: criteria provided, multiple submitters, no conflicts (2 of 4 stars). 2 submissions from 2 submitters: Uncertain significance (2). Last evaluated 2025-09-01.

Conditions:
PKD1-related disorder. Also called: PKD1-related condition.
Inborn genetic diseases. Identifiers: MedGen C0950123, MeSH D030342.

gnomAD v4.1: 122 of 1,610,308 alleles (0.0076%); highest among the groups gnomAD compares: Non-Finnish European, 0.0091%; no homozygotes.

Submissions (2):

Ambry Genetics
Classification: Uncertain significance for Inborn genetic diseases. Last evaluated: 2025-09-01. Review status: criteria provided, single submitter. Criteria: Ambry Variant Classification Scheme 2023. Collection method: clinical testing. Allele origin: germline.

PreventionGenetics, part of Exact Sciences
Classification: Uncertain significance for PKD1-related condition. Last evaluated: 2025-06-25. Review status: criteria provided, single submitter. Criteria: ACMG Guidelines, 2015. Collection method: clinical testing. Allele origin: germline.
Comment: The PKD1 c.6175G>C variant is predicted to result in the amino acid substitution p.Asp2059His. To our knowledge, this variant has not been reported in the literature. This variant is reported in 0.021% of alleles in individuals of European (Non-Finnish) descent in gnomAD. Although we suspect that this variant may be benign, at this time, the clinical significance of this variant is uncertain due to the absence of conclusive functional and genetic evidence.